The following is an entry in ClinVar:

ClinVar aggregate classification (germline): Pathogenic/Likely pathogenic. Review status: criteria provided, multiple submitters, no conflicts (2 of 4 stars). 3 submissions from 3 submitters: Pathogenic (1); Likely pathogenic (1). 1 of the submissions does not count toward it. Last evaluated 2024-09-12.

Conditions:
INF2-related disorder. Also called: INF2-related condition.
Focal segmental glomerulosclerosis 5 (FSGS5). Identifiers: Orphanet 656, MedGen C2750475, MONDO:0013191, OMIM 613237.
Charcot-Marie-Tooth disease dominant intermediate E. Also called: CHARCOT-MARIE-TOOTH NEUROPATHY WITH FOCAL SEGMENTAL GLOMERULONEPHRITIS. Identifiers: Orphanet 93114, MedGen C4302667, MONDO:0013758, OMIM 614455.

Submissions (3):

Blueprint Genetics
Classification: Likely pathogenic for INF2-related disorders. Last evaluated: 2024-09-12. Review status: criteria provided, single submitter. Criteria: ACMG Guidelines, 2015. Collection method: clinical testing. Allele origin: germline. Affected: yes. Observed: 3 variant alleles.

Labcorp Genetics (formerly Invitae), Labcorp
Classification: Pathogenic for Charcot-Marie-Tooth disease dominant intermediate E; Focal segmental glomerulosclerosis 5. Last evaluated: 2022-12-06. Review status: criteria provided, single submitter. Criteria: Invitae Variant Classification Sherloc (09022015). Collection method: clinical testing. Allele origin: germline.
Comment: This variant, c.490_498del, results in the deletion of 3 amino acid(s) of the INF2 protein (p.Ala164_Asp166del), but otherwise preserves the integrity of the reading frame. This variant is not present in population databases (gnomAD no frequency). This variant has been observed in individual(s) with Charcot-Marie-Tooth (CMT) and focal segmental glomerulosclerosis (PMID: 22187985; Invitae). In at least one individual the variant was observed to be de novo. ClinVar contains an entry for this variant (Variation ID: 472868). For these reasons, this variant has been classified as Pathogenic.

OMIM
Classification: Pathogenic for CHARCOT-MARIE-TOOTH DISEASE, DOMINANT INTERMEDIATE E. Last evaluated: 2011-12-22. Review status: no assertion criteria provided. Collection method: literature only. Allele origin: germline. Not counted in ClinVar's aggregate classification.

Literature cited by the submitters: PubMed 22187985 (cited by Labcorp Genetics (formerly Invitae), Labcorp and OMIM).

NM_022489.4(INF2):c.490_498del (p.Ala164_Asp166del)

Gene: INF2 (inverted formin 2; plus strand). Cytogenetic location: 14q32.33.
Variant type: Deletion.
Coding change: c.490_498del on transcript NM_022489.4 (MANE Select); coding-DNA positions 490 to 498, 9 bases deleted (GCCCTGGAC; older notation c.490_498delGCCCTGGAC).
Protein change: p.Ala164_Asp166del.
Molecular consequence: inframe deletion.
Genome position (GRCh38, 1-based): chr14:104,703,203-104,703,211, GCCCTGGAC deleted; deleting any 9 consecutive bases within chr14:104,703,195-104,703,211 gives the same sequence; the c. name uses the placement nearest the transcript's 3' end. VCF-style (leftmost placement, unchanged base first): chr14-104703194-ACCCTGGACG-A. GRCh37 (hg19) VCF-style: chr14-105169531-ACCCTGGACG-A.
Other names: c.490_498del, p.Ala164_Asp166del (NM_001031714.4, NM_032714.3).
Identifiers: ClinVar variation 472868 (VCV000472868.10), dbSNP rs1555373599, ClinGen allele CA658658276.